The following is an entry in ClinVar:

NM_001366900.1(TTC21A):c.3926G>A (p.Arg1309Lys)

Gene: TTC21A (tetratricopeptide repeat domain 21A; plus strand). Cytogenetic location: 3p22.2.
Variant type: single nucleotide variant.
Coding change: c.3926G>A on transcript NM_001366900.1 (MANE Select); coding-DNA position 3926, G replaced by A.
Protein change: p.Arg1309Lys; replaces arginine 1309 with lysine.
Molecular consequence: missense variant. On other transcripts: non-coding transcript variant (3).
Genome position (GRCh38, 1-based): chr3:39,138,772, G>A. VCF-style: chr3-39138772-G-A. GRCh37 (hg19) VCF-style: chr3-39180263-G-A.
Other names: c.3803G>A, p.Arg1268Lys (NM_001105513.3); c.3950G>A, p.Arg1317Lys (NM_001366899.1); c.3947G>A, p.Arg1316Lys (NM_145755.3); short protein forms R1268K, R1309K, R1316K, R1317K.
Identifiers: ClinVar variation 3059230 (VCV003059230.2), dbSNP rs704959, ClinGen allele CA2325211.

ClinVar aggregate classification (germline): Benign (0 of 4 stars; one submission).

Conditions:
TTC21A-related disorder. Also called: TTC21A-related condition.

Allele frequency attached by ClinVar (database versions not stated): TOPMed 0.53069; ESP Exome Variant Server 0.53512; 1000 Genomes Project 30x 0.53560; 1000 Genomes Project 0.54613; gnomAD 0.54725; ExAC 0.64497; gnomAD exomes 0.66560.

Submission:

PreventionGenetics, part of Exact Sciences
Classification: Benign for TTC21A-related condition. Last evaluated: 2019-10-30. Review status: no assertion criteria provided. Collection method: clinical testing. Allele origin: germline.
Comment: This variant is classified as benign based on ACMG/AMP sequence variant interpretation guidelines (Richards et al. 2015 PMID: 25741868, with internal and published modifications).